The following is an entry in ClinVar:

NM_004287.5(GOSR2):c.331A>G (p.Thr111Ala)

Genes: GOSR2 (golgi SNAP receptor complex member 2; plus strand), LRRC37A2 (leucine rich repeat containing 37 member A2). Cytogenetic location: 17q21.32.
Variant type: single nucleotide variant.
Coding change: c.331A>G on transcript NM_004287.5 (MANE Select); coding-DNA position 331, A replaced by G.
Protein change: p.Thr111Ala; replaces threonine 111 with alanine.
Molecular consequence: missense variant. On other transcripts: non-coding transcript variant (3).
Genome position (GRCh38, 1-based): chr17:46,932,194, A>G. VCF-style: chr17-46932194-A-G. GRCh37 (hg19) VCF-style: chr17-45009560-A-G.
Other names: c.331A>G, p.Thr111Ala (NM_001012511.3, NM_001321133.2, NM_001330252.2 and 1 more transcripts); c.277A>G, p.Thr93Ala (NM_001321134.2, NM_001363851.2); c.328A>G, p.Thr110Ala (NM_001353114.2, NM_001353115.2, NM_001353116.2); short protein forms T111A, T110A, T93A.
Identifiers: ClinVar variation 581742 (VCV000581742.8), dbSNP rs780448159, ClinGen allele CA8621229.

ClinVar aggregate classification (germline): Uncertain significance. Review status: criteria provided, multiple submitters, no conflicts (2 of 4 stars). 2 submissions from 2 submitters: Uncertain significance (2). Last evaluated 2024-06-05.

Conditions:
Progressive myoclonic epilepsy. Also called: Familial progressive myoclonic epilepsy; Myoclonic Epilepsies, Progressive; Myoclonus epilepsy; Progressive myoclonus epilepsy. Identifiers: Orphanet 308, Orphanet 98261, MedGen C0751778, MONDO:0020074.
Inborn genetic diseases. Identifiers: MedGen C0950123, MeSH D030342.

Allele frequency attached by ClinVar (database versions not stated): gnomAD exomes below 0.00001 and 0.00001; TOPMed below 0.00001; ExAC 0.00001.
gnomAD v4.1: 6 of 1,613,994 alleles (0.00037%); highest among the groups gnomAD compares: Middle Eastern, 0.017%; no homozygotes.

Submissions (2):

Ambry Genetics
Classification: Uncertain significance for Inborn genetic diseases. Last evaluated: 2024-06-05. Review status: criteria provided, single submitter. Criteria: Ambry Variant Classification Scheme 2023. Collection method: clinical testing. Allele origin: germline.

Labcorp Genetics (formerly Invitae), Labcorp
Classification: Uncertain significance for Progressive myoclonic epilepsy. Last evaluated: 2021-09-01. Review status: criteria provided, single submitter. Criteria: Invitae Variant Classification Sherloc (09022015). Collection method: clinical testing. Allele origin: germline.
Comment: This sequence change replaces threonine with alanine at codon 111 of the GOSR2 protein (p.Thr111Ala). The threonine residue is highly conserved and there is a small physicochemical difference between threonine and alanine. This variant is present in population databases (rs780448159, ExAC 0.002%). This variant has not been reported in the literature in individuals affected with GOSR2-related conditions. Algorithms developed to predict the effect of missense changes on protein structure and function output the following: SIFT: "Tolerated"; PolyPhen-2: "Benign"; Align-GVGD: "Class C0". The alanine amino acid residue is found in multiple mammalian species, which suggests that this missense change does not adversely affect protein function. In summary, the available evidence is currently insufficient to determine the role of this variant in disease. Therefore, it has been classified as a Variant of Uncertain Significance.